The following is an entry in ClinVar:

ClinVar aggregate classification (germline): Likely pathogenic. Review status: criteria provided, multiple submitters, no conflicts (2 of 4 stars). 3 submissions from 3 submitters: Likely pathogenic (3). Last evaluated 2025-12-03.

Conditions:
F11-related disorder. Also called: F11-related condition.
Plasma factor XI deficiency.
Hereditary factor XI deficiency disease. Also called: PLASMA THROMBOPLASTIN ANTECEDENT DEFICIENCY; PTA DEFICIENCY; ROSENTHAL SYNDROME; Congenital factor XI deficiency. Identifiers: Orphanet 329, MedGen C0015523, MeSH D005173, MONDO:0012897, OMIM 612416.

Allele frequency attached by ClinVar (database versions not stated): ExAC 0.00001; gnomAD 0.00001; gnomAD exomes 0.00001; TOPMed 0.00001.
gnomAD v4.1: 21 of 1,613,958 alleles (0.0013%); highest among the groups gnomAD compares: Non-Finnish European, 0.0018%; no homozygotes.

Submissions (3):

Natera, Inc.
Classification: Likely pathogenic for Plasma factor XI deficiency. Last evaluated: 2025-12-03. Review status: criteria provided, single submitter. Criteria: Natera Variant Classification Schema (03/2026). Collection method: clinical testing. Allele origin: germline.
Comment: The c.616C>T variant in F11 is a missense variant predicted to cause substitution of proline to serine at amino acid 206. This variant is rare in the general population with a frequency below the threshold expected for the associated phenotype(s). This variant has been observed in one or more individuals affected with the associated recessive disease, as either homozygous or compound heterozygous with a second variant (PMID: 21718436). Functional studies show that this variant may disrupt protein function (PMID: 21718436). Given the available evidence, this variant is classified as Likely Pathogenic.

PreventionGenetics, part of Exact Sciences
Classification: Likely pathogenic for F11-related condition. Last evaluated: 2025-09-05. Review status: criteria provided, single submitter. Criteria: ACMG Guidelines, 2015. Collection method: clinical testing. Allele origin: germline.
Comment: The F11 c.616C>T variant is predicted to result in the amino acid substitution p.Pro206Ser. This variant is alternatively referred to as p.Pro188Ser using legacy nomenclature, has been reported in the heterozygous and compound heterozygous state in four individuals with Factor XI deficiency (Quelin et al. 2006. PubMed ID: 16607084; Zucker et al. 2011. PubMed ID: 21718436; Van Laer et al. 2022. PubMed ID: 36696193). Functional studies in COS cells showed the p.Pro206Ser variant results in aberrantly spliced mRNA and skipping of exon 7 (Zucker et al. 2011. PubMed ID: 21718436). This variant is reported in 0.0018% of alleles in individuals of European (Non-Finnish) descent in gnomAD. This variant is interpreted as likely pathogenic.

ISTH-SSC Genomics in Thrombosis and Hemostasis, KU Leuven, Center for Molecular and Vascular Biology
Classification: Likely pathogenic for Hereditary factor XI deficiency disease. Review status: criteria provided, single submitter. Criteria: ACMG Guidelines, 2015. Collection method: clinical testing. Allele origin: germline. Affected: yes. Observed: 1 heterozygote.
Comment: Submitted to the GoldVariant database by Kathleen Freson, Center for Molecular and Vascular Biology

Literature cited by the submitters: PubMed 21718436 (cited by Natera, Inc.).

NM_000128.4(F11):c.616C>T (p.Pro206Ser)

Gene: F11 (coagulation factor XI; plus strand). Cytogenetic location: 4q35.2.
Variant type: single nucleotide variant.
Coding change: c.616C>T on transcript NM_000128.4 (MANE Select); coding-DNA position 616, C replaced by T.
Protein change: p.Pro206Ser; replaces proline 206 with serine.
Molecular consequence: missense variant.
Genome position (GRCh38, 1-based): chr4:186,276,251, C>T. VCF-style: chr4-186276251-C-T. GRCh37 (hg19) VCF-style: chr4-187197405-C-T.
Other names: short protein forms P206S.
Identifiers: ClinVar variation 1676750 (VCV001676750.5), dbSNP rs779123395, ClinGen allele CA3163733.